The following is an entry in ClinVar:

ClinVar aggregate classification (germline): Pathogenic (1 of 4 stars; one submission).

Conditions:
Anauxetic dysplasia. Identifiers: Orphanet 93347, MedGen C1846796, MONDO:0011773.

Allele frequency attached by ClinVar (database versions not stated): gnomAD 0.00001; gnomAD exomes below 0.00001.

Submission:

Labcorp Genetics (formerly Invitae), Labcorp
Classification: Pathogenic for Anauxetic dysplasia. Last evaluated: 2022-02-03. Review status: criteria provided, single submitter. Criteria: Invitae Variant Classification Sherloc (09022015). Collection method: clinical testing. Allele origin: germline.
Comment: This variant occurs in the RMRP gene, which encodes an RNA molecule that does not result in a protein product. ClinVar contains an entry for this variant (Variation ID: 533763). While this particular variant has not been reported in the literature, it is located in the promoter region between the TATA box and the transcription initiation site, and other insertions and duplications immediately upstream of the coding sequence have been reported in individuals affected with cartilage-hair hypoplasia-anauxetic dysplasia (CHH-AD) spectrum disorders (PMID: 16244706, 11207361, 12107819). This variant is not present in population databases (gnomAD no frequency). For these reasons, this variant has been classified as Pathogenic. While functional studies for this variant have not been reported, experimental analyses using patient derived cells, as well as in vitro transfection studies, have shown that promoter insertions result in silencing of RMRP transcription and reduced expression of the gene product (PMID: 11207361, 16254002).

Literature cited by the submitters: PubMed 16244706; PubMed 11207361; PubMed 12107819; PubMed 16254002.

NC_000009.12:g.35658018_35658044dup

Gene: RMRP (RNA component of mitochondrial RNA processing endoribonuclease; minus strand). Cytogenetic location: 9p13.3.
Variant type: Duplication.
Genome position: GRCh38 VCF-style: chr9-35658017-C-CCACGTCCTCAGCTTCACAGAGTAGTAT. GRCh37 (hg19) VCF-style: chr9-35658014-C-CCACGTCCTCAGCTTCACAGAGTAGTAT.
Identifiers: ClinVar variation 533763 (VCV000533763.10), dbSNP rs1554651385, ClinGen allele CA658797198.